The following is an entry in ClinVar:

NM_001457.4(FLNB):c.2572G>C (p.Ala858Pro)

Genes: FLNB (filamin B; plus strand), LOC129936935 (ATAC-STARR-seq lymphoblastoid active region 19999; plus strand). Cytogenetic location: 3p14.3.
Variant type: single nucleotide variant.
Coding change: c.2572G>C on transcript NM_001457.4 (MANE Select); coding-DNA position 2572, G replaced by C.
Protein change: p.Ala858Pro; replaces alanine 858 with proline.
Molecular consequence: missense variant.
Genome position (GRCh38, 1-based): chr3:58,111,878, G>C. VCF-style: chr3-58111878-G-C. GRCh37 (hg19) VCF-style: chr3-58097605-G-C.
Other names: c.2572G>C, p.Ala858Pro (NM_001164317.2, NM_001164318.2, NM_001164319.2); short protein forms A858P.
Identifiers: ClinVar variation 4801694 (VCV004801694.1).

ClinVar aggregate classification (germline): Uncertain significance (1 of 4 stars; one submission).

Submission:

Labcorp Genetics (formerly Invitae), Labcorp
Classification: Uncertain significance. Last evaluated: 2025-03-16. Review status: criteria provided, single submitter. Criteria: Invitae Variant Classification Sherloc (09022015). Collection method: clinical testing. Allele origin: germline.
Comment: This sequence change replaces alanine, which is neutral and non-polar, with proline, which is neutral and non-polar, at codon 858 of the FLNB protein (p.Ala858Pro). This variant is not present in population databases (gnomAD no frequency). This variant has not been reported in the literature in individuals affected with FLNB-related conditions. Invitae Evidence Modeling of protein sequence and biophysical properties (such as structural, functional, and spatial information, amino acid conservation, physicochemical variation, residue mobility, and thermodynamic stability) indicates that this missense variant is not expected to disrupt FLNB protein function with a negative predictive value of 95%. In summary, the available evidence is currently insufficient to determine the role of this variant in disease. Therefore, it has been classified as a Variant of Uncertain Significance.